The following is an entry in ClinVar:

ClinVar aggregate classification (germline): Uncertain significance (1 of 4 stars; one submission).

Conditions:
Inborn genetic diseases. Identifiers: MedGen C0950123, MeSH D030342.

gnomAD v4.1: 2 of 1,613,626 alleles (0.00012%); highest among the groups gnomAD compares: African/African-American, 0.0013%; no homozygotes.

Submission:

Ambry Genetics
Classification: Uncertain significance for Inborn genetic diseases. Last evaluated: 2025-05-06. Review status: criteria provided, single submitter. Criteria: Ambry Variant Classification Scheme 2023. Collection method: clinical testing. Allele origin: germline.
Comment: The p.E571D variant (also known as c.1713A>C), located in coding exon 14 of the BUB1B gene, results from an A to C substitution at nucleotide position 1713. The glutamic acid at codon 571 is replaced by aspartic acid, an amino acid with highly similar properties. This amino acid position is conserved. In addition, this alteration is predicted to be tolerated by in silico analysis. Based on the available evidence, the clinical significance of this variant remains unclear.

NM_001211.6(BUB1B):c.1713A>C (p.Glu571Asp)

Gene: BUB1B (BUB1 mitotic checkpoint serine/threonine kinase B; plus strand). Cytogenetic location: 15q15.1.
Variant type: single nucleotide variant.
Coding change: c.1713A>C on transcript NM_001211.6 (MANE Select); coding-DNA position 1713, A replaced by C.
Protein change: p.Glu571Asp; replaces glutamic acid 571 with aspartic acid.
Molecular consequence: missense variant.
Genome position (GRCh38, 1-based): chr15:40,202,673, A>C. VCF-style: chr15-40202673-A-C. GRCh37 (hg19) VCF-style: chr15-40494874-A-C.
Other names: short protein forms E571D.
Identifiers: ClinVar variation 3993718 (VCV003993718.1).